The following is an entry in ClinVar:

ClinVar aggregate classification (germline): Likely pathogenic (1 of 4 stars; one submission).

Conditions:
Pelizaeus-Merzbacher disease. Also called: LEUKODYSTROPHY, HYPOMYELINATING, 1; Sudanophilic leukodystrophy; Pelizeaus-Merzbacher spectrum disorder; Pelizaeus-Merzbacher spectrum disorder; Pelizaeus-Merzbacher Disease (PMD). Identifiers: Orphanet 702, MedGen C0205711, MONDO:0010714, OMIM 312080, HP:0003269.

Submission:

Juno Genomics, Hangzhou Juno Genomics, Inc
Classification: Likely pathogenic for Pelizaeus-Merzbacher disease. Review status: criteria provided, single submitter. Criteria: ACMG Guidelines, 2015. Collection method: clinical testing. Allele origin: germline.
Comment: Null variant in a gene where loss of function (LOF) is a known mechanism of disease.;Absent from controls (or at extremely low frequency if recessive) in Genome Aggregation Database.

NM_000533.5(PLP1):c.470dup (p.Tyr157Ter)

Genes: PLP1 (proteolipid protein 1; plus strand), RAB9B (RAB9B, member RAS oncogene family; minus strand). Cytogenetic location: Xq22.2.
Variant type: Duplication.
Coding change: c.470dup on transcript NM_000533.5 (MANE Select); coding-DNA position 470, one base duplicated (A; older notation c.470dupA).
Protein change: p.Tyr157Ter; replaces tyrosine 157 with a stop codon.
Molecular consequence: nonsense.
Genome position (GRCh38, 1-based): chrX:103,787,814, A duplicated. VCF-style (leftmost placement, unchanged base first): chrX-103787813-T-TA. GRCh37 (hg19) VCF-style: chrX-103042742-T-TA.
Other names: c.470dup, p.Tyr157Ter (NM_001128834.3); c.305dup, p.Tyr102Ter (NM_001305004.1); c.365dup, p.Tyr122Ter (NM_199478.3); short protein forms Y122*, Y102*, Y157*.
Identifiers: ClinVar variation 5007488 (VCV005007488.2).